The following is an entry in ClinVar:

ClinVar aggregate classification (germline): Likely benign (1 of 4 stars; one submission).

gnomAD v4.1: 1 of 1,612,032 alleles (0.000062%); highest among the groups gnomAD compares: South Asian, 0.0011%; no homozygotes.

Submission:

CeGaT Center for Human Genetics Tuebingen
Classification: Likely benign. Last evaluated: 2022-08-01. Review status: criteria provided, single submitter. Criteria: CeGaT Center For Human Genetics Tuebingen Variant Classification Criteria Version 2. Collection method: clinical testing. Allele origin: germline. Affected: yes. Observed: 1 variant allele.
Comment: LTBP3: BP4, BP7

NM_001130144.3(LTBP3):c.546G>A (p.Lys182=)

Gene: LTBP3 (latent transforming growth factor beta binding protein 3; minus strand). Cytogenetic location: 11q13.1.
Variant type: single nucleotide variant.
Coding change: c.546G>A on transcript NM_001130144.3 (MANE Select); coding-DNA position 546, G replaced by A.
Protein change: p.Lys182=; no amino-acid change (lysine 182 retained).
Molecular consequence: synonymous variant.
Genome position (GRCh38, 1-based): chr11:65,554,166, C>T on the plus strand (G>A on the coding strand, the complement: LTBP3 is on the minus strand). VCF-style: chr11-65554166-C-T. GRCh37 (hg19) VCF-style: chr11-65321637-C-T.
Other names: c.195G>A, p.Lys65= (NM_001164266.1); c.546G>A, p.Lys182= (NM_021070.4).
Identifiers: ClinVar variation 2641960 (VCV002641960.24), dbSNP rs755341379, ClinGen allele CA475036830.